The following is an entry in ClinVar:

NM_001184880.2(PCDH19):c.2023G>A (p.Val675Met)

Gene: PCDH19 (protocadherin 19; minus strand). Cytogenetic location: Xq22.1.
Variant type: single nucleotide variant.
Coding change: c.2023G>A on transcript NM_001184880.2 (MANE Select); coding-DNA position 2023, G replaced by A.
Protein change: p.Val675Met; replaces valine 675 with methionine.
Molecular consequence: missense variant.
Genome position (GRCh38, 1-based): chrX:100,406,575, C>T on the plus strand (G>A on the coding strand, the complement: PCDH19 is on the minus strand). VCF-style: chrX-100406575-C-T. GRCh37 (hg19) VCF-style: chrX-99661573-C-T.
Other names: c.2023G>A, p.Val675Met (NM_001105243.2, NM_020766.3); short protein forms V675M.
Identifiers: ClinVar variation 3018224 (VCV003018224.3), dbSNP rs2520976005, ClinGen allele CA414001457.

ClinVar aggregate classification (germline): Uncertain significance (1 of 4 stars; one submission).

Conditions:
Developmental and epileptic encephalopathy, 9 (DEE9). Also called: EPILEPSY, FEMALE-RESTRICTED, WITH MENTAL RETARDATION; Early infantile epileptic encephalopathy 9; JUBERG-HELLMAN SYNDROME; PCDH19-Related X-Linked Female-Limited Epilepsy with Mental Retardation. Identifiers: Orphanet 101039, Orphanet 2076, MedGen C1848137, MONDO:0010246, OMIM 300088. Disease mechanism: loss of function.

Allele frequency attached by ClinVar (database versions not stated): gnomAD exomes below 0.00001.
gnomAD v4.1: 5 of 1,210,570 alleles (0.00041%); highest among the groups gnomAD compares: Middle Eastern, 0.092%; no homozygotes.

Submission:

Labcorp Genetics (formerly Invitae), Labcorp
Classification: Uncertain significance for Developmental and epileptic encephalopathy, 9. Last evaluated: 2022-12-14. Review status: criteria provided, single submitter. Criteria: Invitae Variant Classification Sherloc (09022015). Collection method: clinical testing. Allele origin: germline.
Comment: This sequence change replaces valine, which is neutral and non-polar, with methionine, which is neutral and non-polar, at codon 675 of the PCDH19 protein (p.Val675Met). This variant is not present in population databases (gnomAD no frequency). This variant has not been reported in the literature in individuals affected with PCDH19-related conditions. Advanced modeling of protein sequence and biophysical properties (such as structural, functional, and spatial information, amino acid conservation, physicochemical variation, residue mobility, and thermodynamic stability) performed at Invitae indicates that this missense variant is not expected to disrupt PCDH19 protein function. In summary, the available evidence is currently insufficient to determine the role of this variant in disease. Therefore, it has been classified as a Variant of Uncertain Significance.